The following is an entry in ClinVar:

NM_001851.6(COL9A1):c.1037C>A (p.Pro346His)

Gene: COL9A1 (collagen type IX alpha 1 chain; minus strand). Cytogenetic location: 6q13.
Variant type: single nucleotide variant.
Coding change: c.1037C>A on transcript NM_001851.6 (MANE Select); coding-DNA position 1037, C replaced by A.
Protein change: p.Pro346His; replaces proline 346 with histidine.
Molecular consequence: missense variant. On other transcripts: non-coding transcript variant (1).
Genome position (GRCh38, 1-based): chr6:70,274,075, G>T on the plus strand (C>A on the coding strand, the complement: COL9A1 is on the minus strand). VCF-style: chr6-70274075-G-T. GRCh37 (hg19) VCF-style: chr6-70983778-G-T.
Other names: c.308C>A, p.Pro103His (NM_001377289.1, NM_001377290.1, NM_078485.4); short protein forms P103H, P346H.
Identifiers: ClinVar variation 4801371 (VCV004801371.1).
Genomic context (GRCh38, chr6:70,274,075, plus strand): 5'-ATTTTCAATTCTGTAGCTTTACATTTACTTACTGGAAATCCACGCGATCCAGGCACACCA[G>T]GTTCTCCCTAAAAATAAAAATAGTTTCATTGTACTGACCTTTCATATCATGAATATGTAA-3'
Protein context (NP_001842.3, residues 336-356): SIGSKGQKGE[Pro346His]GVPGSRGFPG

ClinVar aggregate classification (germline): Uncertain significance (1 of 4 stars; one submission).

Submission:

Labcorp Genetics (formerly Invitae), Labcorp
Classification: Uncertain significance. Last evaluated: 2026-01-24. Review status: criteria provided, single submitter. Criteria: Invitae Variant Classification Sherloc (09022015). Collection method: clinical testing. Allele origin: germline.
Comment: This sequence change replaces proline, which is neutral and non-polar, with histidine, which is basic and polar, at codon 346 of the COL9A1 protein (p.Pro346His). This variant is not present in population databases (gnomAD no frequency). This variant has not been reported in the literature in individuals affected with COL9A1-related conditions. Invitae Evidence Modeling of protein sequence and biophysical properties (such as structural, functional, and spatial information, amino acid conservation, physicochemical variation, residue mobility, and thermodynamic stability) indicates that this missense variant is not expected to disrupt COL9A1 protein function with a negative predictive value of 95%. In summary, the available evidence is currently insufficient to determine the role of this variant in disease. Therefore, it has been classified as a Variant of Uncertain Significance.